The following is an entry in ClinVar:

NM_001282933.2(ZNF341):c.2368G>A (p.Gly790Ser)

Genes: ZNF341-AS1 (ZNF341 antisense RNA 1; minus strand), ZNF341 (zinc finger protein 341; plus strand). Cytogenetic location: 20q11.22.
Variant type: single nucleotide variant.
Coding change: c.2368G>A on transcript NM_001282933.2 (MANE Select); coding-DNA position 2368, G replaced by A.
Protein change: p.Gly790Ser; replaces glycine 790 with serine.
Molecular consequence: missense variant. On other transcripts: non-coding transcript variant (1).
Genome position (GRCh38, 1-based): chr20:33,791,320, G>A. VCF-style: chr20-33791320-G-A. GRCh37 (hg19) VCF-style: chr20-32379126-G-A.
Other names: c.2098G>A, p.Gly700Ser (NM_001282935.2); c.2347G>A, p.Gly783Ser (NM_032819.5); c.2347G>A (NM_032819.3); short protein forms G790S, G700S, G783S.
Identifiers: ClinVar variation 1396832 (VCV001396832.10), dbSNP rs371648715, ClinGen allele CA9819781.

ClinVar aggregate classification (germline): Uncertain significance. Review status: criteria provided, multiple submitters, no conflicts (2 of 4 stars). 2 submissions from 2 submitters: Uncertain significance (2). Last evaluated 2024-04-06.

Allele frequency attached by ClinVar (database versions not stated): ExAC 0.00003; TOPMed 0.00007; ESP Exome Variant Server 0.00015.
gnomAD v4.1: 37 of 1,611,588 alleles (0.0023%); highest among the groups gnomAD compares: African/African-American, 0.019%; no homozygotes.

Submissions (2):

Ambry Genetics
Classification: Uncertain significance. Last evaluated: 2024-04-06. Review status: criteria provided, single submitter. Criteria: Ambry Variant Classification Scheme 2023. Collection method: clinical testing. Allele origin: germline.

Labcorp Genetics (formerly Invitae), Labcorp
Classification: Uncertain significance. Last evaluated: 2022-10-17. Review status: criteria provided, single submitter. Criteria: Invitae Variant Classification Sherloc (09022015). Collection method: clinical testing. Allele origin: germline.
Comment: In summary, the available evidence is currently insufficient to determine the role of this variant in disease. Therefore, it has been classified as a Variant of Uncertain Significance. Algorithms developed to predict the effect of missense changes on protein structure and function output the following: SIFT: "Tolerated"; PolyPhen-2: "Benign"; Align-GVGD: "Class C0". The serine amino acid residue is found in multiple mammalian species, which suggests that this missense change does not adversely affect protein function. ClinVar contains an entry for this variant (Variation ID: 1396832). This variant has not been reported in the literature in individuals affected with ZNF341-related conditions. This variant is present in population databases (rs371648715, gnomAD 0.01%). This sequence change replaces glycine, which is neutral and non-polar, with serine, which is neutral and polar, at codon 783 of the ZNF341 protein (p.Gly783Ser).